The following is an entry in ClinVar:

ClinVar aggregate classification (germline): Benign/Likely benign. Review status: criteria provided, multiple submitters, no conflicts (2 of 4 stars). 11 submissions from 9 submitters: Benign (4); Likely benign (6). 1 of the submissions does not count toward it. Last evaluated 2026-04-01.

Conditions:
SCN9A-related disorder. Also called: SCN9A-related disorders; SCN9A-related condition.
Generalized epilepsy with febrile seizures plus, type 7 (GEFSP7). Also called: GEFS+, TYPE 7. Identifiers: Orphanet 36387, MedGen C2751778, MONDO:0013470, OMIM 613863.
Neuropathy, hereditary sensory and autonomic, type 2A (HSAN2A). Also called: MORVAN DISEASE; NEUROPATHY, CONGENITAL SENSORY; NEUROPATHY, HEREDITARY SENSORY RADICULAR, AUTOSOMAL RECESSIVE; NEUROPATHY, HEREDITARY SENSORY, TYPE IIA; NEUROPATHY, PROGRESSIVE SENSORY, OF CHILDREN; WNK1-Related HSAN2 (HSAN2A). Identifiers: Orphanet 970, MedGen C2752089, MONDO:0024309, OMIM 201300.
Inborn genetic diseases. Identifiers: MedGen C0950123, MeSH D030342.
Primary erythromelalgia. Also called: SCN9A Erythromelalgia (SCN9A-EM); primary erythermalgia. Identifiers: Orphanet 306577, Orphanet 90026, MedGen C0014805, MONDO:0007571, OMIM 133020.
Channelopathy-associated congenital insensitivity to pain, autosomal recessive. Also called: Insensitivity to pain, channelopathy-associated; ASYMBOLIA FOR PAIN; CONGENITAL ANALGESIA, AUTOSOMAL RECESSIVE. Identifiers: Orphanet 88642, Orphanet 970, MedGen C1855739, MONDO:0009459, OMIM 243000.
Paroxysmal extreme pain disorder (PEXPD). Also called: SCN9A Paroxysmal Extreme Pain Disorder (SCN9A-PEPD); PAIN, SUBMANDIBULAR, OCULAR, AND RECTAL, WITH FLUSHING; RECTAL PAIN, FAMILIAL. Identifiers: Orphanet 46348, MedGen C1833661, MONDO:0008179, OMIM 167400.

Allele frequency attached by ClinVar (database versions not stated): 1000 Genomes Project 0.00060; 1000 Genomes Project 30x 0.00078; TOPMed 0.00162; gnomAD 0.00173 and 0.00190; gnomAD exomes 0.00205 and 0.00244; ExAC 0.00210; ESP Exome Variant Server 0.00227.
gnomAD v4.1: 3,847 of 1,612,768 alleles (0.24%); highest among the groups gnomAD compares: South Asian, 0.57%; 15 homozygotes.

Submissions (11):

CeGaT Center for Human Genetics Tuebingen
Classification: Likely benign. Last evaluated: 2026-04-01. Review status: criteria provided, single submitter. Criteria: CeGaT Center For Human Genetics Tuebingen Variant Classification Criteria Version 2. Collection method: clinical testing. Allele origin: germline. Affected: yes. Observed: 17 variant alleles.
Comment: SCN9A: PP3, BS2

Labcorp Genetics (formerly Invitae), Labcorp
Classification: Benign for Neuropathy, hereditary sensory and autonomic, type 2A; Generalized epilepsy with febrile seizures plus, type 7. Last evaluated: 2026-02-01. Review status: criteria provided, single submitter. Criteria: Invitae Variant Classification Sherloc (09022015). Collection method: clinical testing. Allele origin: germline.

Athena Diagnostics
Classification: Likely benign. Last evaluated: 2024-10-07. Review status: criteria provided, single submitter. Criteria: Athena Diagnostics Criteria. Collection method: clinical testing. Allele origin: unknown.

GeneDx
Classification: Likely benign. Last evaluated: 2020-09-15. Review status: criteria provided, single submitter. Criteria: GeneDx Variant Classification Process June 2021. Collection method: clinical testing. Allele origin: germline. Affected: yes.
Comment: This variant is associated with the following publications: (PMID: 29176367, 29908077, 23818614, 26680203, 23292638, 23895530, 25852444, 24828792, 26284228, 24813307, 26419464, 26236192, 25250524, 21094958, 28235406, 30212743, 31780880, 30672368, 32011655, 29991710, 32707200)

Ambry Genetics
Classification: Likely benign for Inborn genetic diseases. Last evaluated: 2019-08-30. Review status: criteria provided, single submitter. Criteria: Ambry Variant Classification Scheme 2023. Collection method: clinical testing. Allele origin: germline.

Mayo Clinic Laboratories, Mayo Clinic
Classification: Benign. Last evaluated: 2018-11-05. Review status: criteria provided, single submitter. Criteria: ACMG Guidelines, 2015. Collection method: clinical testing. Allele origin: germline. Observed: 10 variant alleles.

Illumina Laboratory Services, Illumina
Classification: Benign for Primary erythromelalgia. Last evaluated: 2018-03-06. Review status: criteria provided, single submitter. Criteria: ICSL Variant Classification Criteria 13 December 2019. Collection method: clinical testing. Allele origin: germline.
Comment: This variant was observed in the ICSL laboratory as part of a predisposition screen in an ostensibly healthy population. It had not been previously curated by ICSL or reported in the Human Gene Mutation Database (HGMD: prior to June 1st, 2018), and was therefore a candidate for classification through an automated scoring system. Utilizing variant allele frequency, disease prevalence and penetrance estimates, and inheritance mode, an automated score was calculated to assess if this variant is too frequent to cause the disease. Based on the score and internal cut-off values, a variant classified as benign is not then subjected to further curation. The score for this variant resulted in a classification of benign for this disease.

Illumina Laboratory Services, Illumina
Classification: Benign for Paroxysmal extreme pain disorder. Last evaluated: 2018-03-06. Review status: criteria provided, single submitter. Criteria: ICSL Variant Classification Criteria 13 December 2019. Collection method: clinical testing. Allele origin: germline.
Comment: the same text as in the submission from Illumina Laboratory Services, Illumina above.

Illumina Laboratory Services, Illumina
Classification: Likely benign for Channelopathy-associated congenital insensitivity to pain, autosomal recessive. Last evaluated: 2018-03-06. Review status: criteria provided, single submitter. Criteria: ICSL Variant Classification Criteria 13 December 2019. Collection method: clinical testing. Allele origin: germline.
Comment: This variant was observed in the ICSL laboratory as part of a predisposition screen in an ostensibly healthy population. It had not been previously curated by ICSL or reported in the Human Gene Mutation Database (HGMD: prior to June 1st, 2018), and was therefore a candidate for classification through an automated scoring system. Utilizing variant allele frequency, disease prevalence and penetrance estimates, and inheritance mode, an automated score was calculated to assess if this variant is too frequent to cause the disease. Based on the score and internal cut-off values, a variant classified as likely benign is not then subjected to further curation. The score for this variant resulted in a classification of likely benign for this disease.

Eurofins Ntd Llc (ga)
Classification: Likely benign. Last evaluated: 2016-11-02. Review status: criteria provided, single submitter. Criteria: EGL Classification Definitions 2015. Collection method: clinical testing. Allele origin: germline. Observed: 1 variant allele, 1 heterozygote.

PreventionGenetics, part of Exact Sciences
Classification: Likely benign for SCN9A-related condition. Last evaluated: 2021-12-22. Review status: no assertion criteria provided. Collection method: clinical testing. Allele origin: germline. Not counted in ClinVar's aggregate classification.
Comment: This variant is classified as likely benign based on ACMG/AMP sequence variant interpretation guidelines (Richards et al. 2015 PMID: 25741868, with internal and published modifications).

Literature cited by the submitters: PubMed 31780880 (cited by Athena Diagnostics); PubMed 34426522 (cited by Athena Diagnostics); PubMed 32707200 (cited by Athena Diagnostics); PubMed 25852444 (cited by Athena Diagnostics); PubMed 26284228 (cited by Athena Diagnostics); PubMed 21094958 (cited by Athena Diagnostics); PubMed 23292638 (cited by Athena Diagnostics); PubMed 23895530 (cited by Athena Diagnostics); PubMed 29176367 (cited by Athena Diagnostics); PubMed 25250524 (cited by Athena Diagnostics).

NM_001365536.1(SCN9A):c.4645T>C (p.Trp1549Arg)

Genes: SCN1A-AS1 (SCN1A and SCN9A antisense RNA 1; plus strand), SCN9A (sodium voltage-gated channel alpha subunit 9; minus strand). Cytogenetic location: 2q24.3.
Variant type: single nucleotide variant.
Coding change: c.4645T>C on transcript NM_001365536.1 (MANE Select); coding-DNA position 4645, T replaced by C.
Protein change: p.Trp1549Arg; replaces tryptophan 1549 with arginine.
Molecular consequence: missense variant.
Genome position (GRCh38, 1-based): chr2:166,204,084, A>G on the plus strand (T>C on the coding strand, the complement: SCN9A is on the minus strand). VCF-style: chr2-166204084-A-G. GRCh37 (hg19) VCF-style: chr2-167060594-A-G.
Other names: p.Trp1538Arg; c.4612T>C, p.Trp1538Arg (NM_002977.4); short protein forms W1538R, W1549R.
Identifiers: ClinVar variation 234412 (VCV000234412.69), dbSNP rs202084411, ClinGen allele CA1943813.
Genomic context (GRCh38, chr2:166,204,084, plus strand): 5'-GGGAGATCAGTTTTAGCACACATTCTCCAGTGAAAAGGATTATAAAAACCACATTTATCC[A>G]ATATAAAACTTCAGTCATATGTTGACTTTGACCCTCCTTTTCTACCATCATGGTTACCAT-3'
Protein context (NP_001352465.1, residues 1539-1559): QSQHMTEVLY[Trp1549Arg]INVVFIILFT